The following is an entry in ClinVar:

ClinVar aggregate classification (germline): Pathogenic (1 of 4 stars; one submission).

Conditions:
LAMA2-related muscular dystrophy (LAMA2-RD). Also called: Laminin alpha 2-related dystrophy. Identifiers: MedGen C5679788, MONDO:0100228.

Submission:

Myriad Genetics, Inc.
Classification: Pathogenic for LAMA2-related muscular dystrophy. Last evaluated: 2025-01-31. Review status: criteria provided, single submitter. Criteria: Myriad Autosomal Dominant, Autosomal Recessive and X-Linked Classification Criteria (2023). Collection method: clinical testing. Allele origin: unknown.
Comment: NM_000426.3(LAMA2):c.5113delA(T1705Lfs*20) is expected to be pathogenic in the context of muscular dystrophy, LAMA2-related. This variant is predicted to lead to an abnormal or absent protein product due to the creation of a premature termination codon in LAMA2, a gene where loss-of-function variants are known to be pathogenic. Please note: this variant was assessed in the context of healthy population screening.

NM_000426.4(LAMA2):c.5113del (p.Thr1705fs)

Gene: LAMA2 (laminin subunit alpha 2; plus strand). Cytogenetic location: 6q22.33.
Variant type: Deletion.
Coding change: c.5113del on transcript NM_000426.4 (MANE Select); coding-DNA position 5113, one base deleted (A; older notation c.5113delA).
Protein change: p.Thr1705fs; shifts the reading frame from threonine 1705.
Molecular consequence: frameshift variant.
Genome position (GRCh38, 1-based): chr6:129,391,532, A deleted; the last of 2 consecutive A bases (chr6:129,391,531-129,391,532); deleting either gives the same sequence. VCF-style (leftmost placement, unchanged base first): chr6-129391530-GA-G. GRCh37 (hg19) VCF-style: chr6-129712675-GA-G.
Other names: c.5113del, p.Thr1705fs (NM_001079823.2); short protein forms T1705fs.
Identifiers: ClinVar variation 5014045 (VCV005014045.1).
Genomic context (GRCh38, chr6:129,391,530, plus strand): 5'-AATTTGTTTTACCCCCTGCAGCTGTAAATGAAAAAGCTATAAAACTAAATGAAACTCTAG[GA>G]ACTCGAGACGAGGCCTTTGAGAGAAATTTGGAAGGGCTTCAGAAAGAGATTGACCAGATG-3'